The following is an entry in ClinVar:

ClinVar aggregate classification (germline): Pathogenic (1 of 4 stars; one submission).

Conditions:
Facioscapulohumeral muscular dystrophy 2 (FSHD2). Also called: FACIOSCAPULOHUMERAL MUSCULAR DYSTROPHY 2, DIGENIC; FSHD2, DIGENIC; MUSCULAR DYSTROPHY, FACIOSCAPULOHUMERAL, TYPE 1B. Identifiers: Orphanet 269, MedGen C1834671, MONDO:0008031, OMIM 158901.

Submission:

Labcorp Genetics (formerly Invitae), Labcorp
Classification: Pathogenic for Facioscapulohumeral muscular dystrophy 2. Last evaluated: 2025-02-27. Review status: criteria provided, single submitter. Criteria: Invitae Variant Classification Sherloc (09022015). Collection method: clinical testing. Allele origin: germline.
Comment: This sequence change creates a premature translational stop signal (p.Gln345*) in the SMCHD1 gene. It is expected to result in an absent or disrupted protein product. Loss-of-function variants in SMCHD1 are known to be pathogenic (PMID: 23143600). This variant is not present in population databases (gnomAD no frequency). This variant has not been reported in the literature in individuals affected with SMCHD1-related conditions. For these reasons, this variant has been classified as Pathogenic.

Literature cited by the submitters: PubMed 23143600.

NM_015295.3(SMCHD1):c.1033C>T (p.Gln345Ter)

Gene: SMCHD1 (structural maintenance of chromosomes flexible hinge domain containing 1; plus strand). Cytogenetic location: 18p11.32.
Variant type: single nucleotide variant.
Coding change: c.1033C>T on transcript NM_015295.3 (MANE Select); coding-DNA position 1033, C replaced by T.
Protein change: p.Gln345Ter; replaces glutamine 345 with a stop codon.
Molecular consequence: nonsense.
Genome position (GRCh38, 1-based): chr18:2,694,686, C>T. VCF-style: chr18-2694686-C-T. GRCh37 (hg19) VCF-style: chr18-2694684-C-T.
Other names: short protein forms Q345*.
Identifiers: ClinVar variation 4713980 (VCV004713980.1).
Genomic context (GRCh38, chr18:2,694,686, plus strand): 5'-ACAGGGGTACAACCAGAACACATACAGTACTTGAAAAATTATTTCCACCTTTGGACACGA[C>T]AGTTAGCGTAAGTAATTATATTTGGCTTAGGAAATGTTGCTACTTAACTTTTTTAAGGCA-3'